The following is an entry in ClinVar:

NM_152384.3(BBS5):c.211G>A (p.Val71Ile)

Gene: BBS5 (Bardet-Biedl syndrome 5; plus strand). Cytogenetic location: 2q31.1.
Variant type: single nucleotide variant.
Coding change: c.211G>A on transcript NM_152384.3 (MANE Select); coding-DNA position 211, G replaced by A.
Protein change: p.Val71Ile; replaces valine 71 with isoleucine.
Molecular consequence: missense variant.
Genome position (GRCh38, 1-based): chr2:169,487,808, G>A. VCF-style: chr2-169487808-G-A. GRCh37 (hg19) VCF-style: chr2-170344318-G-A.
Other names: c.211G>A (NM_152384.2); short protein forms V71I.
Identifiers: ClinVar variation 1042319 (VCV001042319.8), dbSNP rs1397496181, ClinGen allele CA349161322.

ClinVar aggregate classification (germline): Conflicting classifications of pathogenicity. Review status: criteria provided, conflicting classifications (1 of 4 stars). 4 submissions from 4 submitters: Uncertain significance (3); Likely benign (1). Last evaluated 2025-05-13.

Conditions:
BBS5-related disorder. Also called: BBS5-related condition.
Bardet-Biedl syndrome (BBS). Identifiers: Orphanet 110, MedGen C0752166, MONDO:0015229.
Inborn genetic diseases. Identifiers: MedGen C0950123, MeSH D030342.
Bardet-Biedl syndrome 5 (BBS5). Identifiers: Orphanet 110, MedGen C3892039, MONDO:0014434, OMIM 615983.

Allele frequency attached by ClinVar (database versions not stated): TOPMed 0.00002.
gnomAD v4.1: 81 of 1,606,364 alleles (0.005%); highest among the groups gnomAD compares: Non-Finnish European, 0.0069%; no homozygotes.

Submissions (4):

PreventionGenetics, part of Exact Sciences
Classification: Uncertain significance for BBS5-related condition. Last evaluated: 2025-05-13. Review status: criteria provided, single submitter. Criteria: ACMG Guidelines, 2015. Collection method: clinical testing. Allele origin: germline.
Comment: The BBS5 c.211G>A variant is predicted to result in the amino acid substitution p.Val71Ile. To our knowledge, this variant has not been reported in the literature. This variant is reported in 0.0016% of alleles in individuals of European (Non-Finnish) descent in gnomAD. At this time, the clinical significance of this variant is uncertain due to the absence of conclusive functional and genetic evidence.

Ambry Genetics
Classification: Likely benign for Inborn genetic diseases. Last evaluated: 2023-01-23. Review status: criteria provided, single submitter. Criteria: Ambry Variant Classification Scheme 2023. Collection method: clinical testing. Allele origin: germline.

Labcorp Genetics (formerly Invitae), Labcorp
Classification: Uncertain significance for Bardet-Biedl syndrome. Last evaluated: 2022-02-02. Review status: criteria provided, single submitter. Criteria: Invitae Variant Classification Sherloc (09022015). Collection method: clinical testing. Allele origin: germline.
Comment: This sequence change replaces valine, which is neutral and non-polar, with isoleucine, which is neutral and non-polar, at codon 71 of the BBS5 protein (p.Val71Ile). This variant is present in population databases (no rsID available, gnomAD 0.002%). This variant has not been reported in the literature in individuals affected with BBS5-related conditions. ClinVar contains an entry for this variant (Variation ID: 1042319). Algorithms developed to predict the effect of missense changes on protein structure and function (SIFT, PolyPhen-2, Align-GVGD) all suggest that this variant is likely to be tolerated. In summary, the available evidence is currently insufficient to determine the role of this variant in disease. Therefore, it has been classified as a Variant of Uncertain Significance.

Fulgent Genetics
Classification: Uncertain significance for Bardet-Biedl syndrome 5. Last evaluated: 2021-12-29. Review status: criteria provided, single submitter. Criteria: ACMG Guidelines, 2015. Collection method: clinical testing. Allele origin: unknown.